The following is an entry in ClinVar:

ClinVar aggregate classification (germline): Uncertain significance (1 of 4 stars; one submission).

Conditions:
Hypertrophic cardiomyopathy. Also called: HYPERTROPHIC MYOCARDIOPATHY. Identifiers: Orphanet 217569, MedGen C0007194, MeSH D002312, MONDO:0005045, HP:0001639.

Allele frequency attached by ClinVar (database versions not stated): gnomAD exomes below 0.00001.
gnomAD v4.1: 2 of 1,614,110 alleles (0.00012%); highest among the groups gnomAD compares: Non-Finnish European, 0.00017%; no homozygotes.

Submission:

Labcorp Genetics (formerly Invitae), Labcorp
Classification: Uncertain significance for Hypertrophic cardiomyopathy. Last evaluated: 2024-07-22. Review status: criteria provided, single submitter. Criteria: Invitae Variant Classification Sherloc (09022015). Collection method: clinical testing. Allele origin: germline.
Comment: This sequence change replaces aspartic acid, which is acidic and polar, with glycine, which is neutral and non-polar, at codon 512 of the MYH7 protein (p.Asp512Gly). This variant is not present in population databases (gnomAD no frequency). This variant has not been reported in the literature in individuals affected with MYH7-related conditions. ClinVar contains an entry for this variant (Variation ID: 843488). Advanced modeling of protein sequence and biophysical properties (such as structural, functional, and spatial information, amino acid conservation, physicochemical variation, residue mobility, and thermodynamic stability) performed at Invitae indicates that this missense variant is expected to disrupt MYH7 protein function with a positive predictive value of 95%. In summary, the available evidence is currently insufficient to determine the role of this variant in disease. Therefore, it has been classified as a Variant of Uncertain Significance.

NM_000257.4(MYH7):c.1535A>G (p.Asp512Gly)

Gene: MYH7 (myosin heavy chain 7; minus strand). Cytogenetic location: 14q11.2.
Variant type: single nucleotide variant.
Coding change: c.1535A>G on transcript NM_000257.4 (MANE Select); coding-DNA position 1535, A replaced by G.
Protein change: p.Asp512Gly; replaces aspartic acid 512 with glycine.
Molecular consequence: missense variant.
Genome position (GRCh38, 1-based): chr14:23,428,543, T>C on the plus strand (A>G on the coding strand, the complement: MYH7 is on the minus strand). VCF-style: chr14-23428543-T-C. GRCh37 (hg19) VCF-style: chr14-23897752-T-C.
Other names: short protein forms D512G.
Identifiers: ClinVar variation 843488 (VCV000843488.7), dbSNP rs1892790810, ClinGen allele CA389050377.
Genomic context (GRCh38, chr14:23,428,543, plus strand): 5'-TAAGGCCAAAGAGGCACCTTCTCGATGAGGTCAATGCAGGCCTGCAGGTCCATGCCAAAG[T>C]CAATGAATGTCCACTCGATGCCCTCCTTCTTGTACTCCTCCTGCTCCAGCACAAACATGT-3'
Protein context (NP_000248.2, residues 502-522): KKEGIEWTFI[Asp512Gly]FGMDLQACID